The following is an entry in ClinVar:

NM_206933.4(USH2A):c.15380del (p.Pro5127fs)

Gene: USH2A (usherin; minus strand). Cytogenetic location: 1q41.
Variant type: Deletion.
Coding change: c.15380del on transcript NM_206933.4 (MANE Select); coding-DNA position 15380, one base deleted (C; older notation c.15380delC).
Protein change: p.Pro5127fs; shifts the reading frame from proline 5127.
Molecular consequence: frameshift variant.
Genome position (GRCh38, 1-based): chr1:215,628,953, G deleted on the plus strand (C on the coding strand, the reverse complement: USH2A is on the minus strand); the first of 3 consecutive G bases (chr1:215,628,953-215,628,955); deleting any one gives the same sequence. VCF-style (leftmost placement, unchanged base first): chr1-215628952-CG-C. GRCh37 (hg19) VCF-style: chr1-215802294-CG-C.
Other names: short protein forms P5127fs.
Identifiers: ClinVar variation 551761 (VCV000551761.8), dbSNP rs1553248216, ClinGen allele CA658822246.

ClinVar aggregate classification (germline): Pathogenic/Likely pathogenic. Review status: criteria provided, multiple submitters, no conflicts (2 of 4 stars). 5 submissions from 4 submitters: Pathogenic (1); Likely pathogenic (3). 1 of the submissions does not count toward it. Last evaluated 2023-11-04.

Conditions:
Usher syndrome type 2. Also called: Usher Syndrome Type II. Identifiers: Orphanet 231178, MedGen C0339534, MONDO:0016484.
Retinitis pigmentosa 39 (RP39). Identifiers: Orphanet 791, MedGen C3151138, MONDO:0013436, OMIM 613809.
Usher syndrome type 2A. Also called: RETINAL DISEASE IN USHER SYNDROME TYPE IIA, MODIFIER OF; USHER SYNDROME, TYPE IIA. Identifiers: Orphanet 231178, Orphanet 886, MedGen C1848634, MONDO:0010169, OMIM 276901.

Submissions (5):

Genome-Nilou Lab
Classification: Likely pathogenic for Retinitis pigmentosa 39. Last evaluated: 2023-11-04. Review status: criteria provided, single submitter. Criteria: ACMG Guidelines, 2015. Collection method: clinical testing. Allele origin: germline. Affected: no.

Genome-Nilou Lab
Classification: Likely pathogenic for Usher syndrome type 2A. Last evaluated: 2023-11-04. Review status: criteria provided, single submitter. Criteria: ACMG Guidelines, 2015. Collection method: clinical testing. Allele origin: germline. Affected: no.

Department of Pathology and Laboratory Medicine, Sinai Health System
Classification: Likely pathogenic for Usher syndrome type 2. Last evaluated: 2023-01-04. Review status: criteria provided, single submitter. Criteria: ACMG Guidelines, 2015. Collection method: research. Allele origin: germline.

Labcorp Genetics (formerly Invitae), Labcorp
Classification: Pathogenic. Last evaluated: 2022-03-20. Review status: criteria provided, single submitter. Criteria: Invitae Variant Classification Sherloc (09022015). Collection method: clinical testing. Allele origin: germline.
Comment: This sequence change creates a premature translational stop signal (p.Pro5127Argfs*8) in the USH2A gene. It is expected to result in an absent or disrupted protein product. Loss-of-function variants in USH2A are known to be pathogenic (PMID: 10729113, 10909849, 20507924, 25649381). For these reasons, this variant has been classified as Pathogenic. ClinVar contains an entry for this variant (Variation ID: 551761). This premature translational stop signal has been observed in individual(s) with Usher syndrome (PMID: 27460420). This variant is not present in population databases (gnomAD no frequency).

Counsyl
Classification: Likely pathogenic for Usher syndrome type 2A; Retinitis pigmentosa 39. Last evaluated: 2017-05-15. Review status: no assertion criteria provided. Collection method: clinical testing. Allele origin: unknown. Not counted in ClinVar's aggregate classification.

Literature cited by the submitters: PubMed 10729113 (cited by Labcorp Genetics (formerly Invitae), Labcorp); PubMed 10909849 (cited by Labcorp Genetics (formerly Invitae), Labcorp); PubMed 20507924 (cited by Labcorp Genetics (formerly Invitae), Labcorp); PubMed 25649381 (cited by Labcorp Genetics (formerly Invitae), Labcorp); PubMed 27460420 (cited by Labcorp Genetics (formerly Invitae), Labcorp and Counsyl).